The following is an entry in ClinVar:

NM_004281.4(BAG3):c.483G>A (p.Gln161=)

Gene: BAG3 (BAG cochaperone 3; plus strand). Cytogenetic location: 10q26.11.
Variant type: single nucleotide variant.
Coding change: c.483G>A on transcript NM_004281.4 (MANE Select); coding-DNA position 483, G replaced by A.
Protein change: p.Gln161=; no amino-acid change (glutamine 161 retained).
Molecular consequence: synonymous variant.
Genome position (GRCh38, 1-based): chr10:119,670,153, G>A. VCF-style: chr10-119670153-G-A. GRCh37 (hg19) VCF-style: chr10-121429665-G-A.
Other names: c.483G>A (NM_004281.3).
Identifiers: ClinVar variation 1092327 (VCV001092327.37), dbSNP rs758279156, ClinGen allele CA5716331.

ClinVar aggregate classification (germline): Likely benign. Review status: criteria provided, multiple submitters, no conflicts (2 of 4 stars). 8 submissions from 8 submitters: Likely benign (4). 4 of the submissions do not count toward it. Last evaluated 2025-03-16.

Conditions:
Cardiovascular phenotype. Identifiers: MedGen CN230736.
Dilated cardiomyopathy 1HH (CMD1HH). Identifiers: Orphanet 154, MedGen C3151293, MONDO:0013479, OMIM 613881.
Myofibrillar myopathy 6. Identifiers: Orphanet 199340, MedGen C2751831, MONDO:0013061, OMIM 612954.

Allele frequency attached by ClinVar (database versions not stated): ExAC 0.00001; gnomAD exomes 0.00001 and 0.00003; TOPMed 0.00002; gnomAD 0.00003.
gnomAD v4.1: 46 of 1,610,944 alleles (0.0029%); highest among the groups gnomAD compares: Non-Finnish European, 0.0038%; no homozygotes.

Submissions (8):

Labcorp Genetics (formerly Invitae), Labcorp
Classification: Likely benign for Dilated cardiomyopathy 1HH; Myofibrillar myopathy 6. Last evaluated: 2025-03-16. Review status: criteria provided, single submitter. Criteria: Invitae Variant Classification Sherloc (09022015). Collection method: clinical testing. Allele origin: germline.

CeGaT Center for Human Genetics Tuebingen
Classification: Likely benign. Last evaluated: 2024-05-01. Review status: criteria provided, single submitter. Criteria: CeGaT Center For Human Genetics Tuebingen Variant Classification Criteria Version 2. Collection method: clinical testing. Allele origin: germline. Affected: yes. Observed: 1 variant allele.
Comment: BAG3: BP4, BP7

Ambry Genetics
Classification: Likely benign for Cardiovascular phenotype. Last evaluated: 2023-10-27. Review status: criteria provided, single submitter. Criteria: Ambry Variant Classification Scheme 2023. Collection method: clinical testing. Allele origin: germline.

Breakthrough Genomics
Classification: Likely benign. Review status: criteria provided, single submitter. Criteria: ACMG Guidelines, 2015. Collection method: not provided. Allele origin: germline. Inheritance: Autosomal dominant inheritance. Affected: yes.

Clinical Genetics, Academic Medical Center
Classification: Benign. Review status: no assertion criteria provided. Collection method: clinical testing. Allele origin: germline. Affected: yes. Study: VKGL Data-share Consensus. Not counted in ClinVar's aggregate classification.

Diagnostic Laboratory, Department of Genetics, University Medical Center Groningen
Classification: Likely benign. Review status: no assertion criteria provided. Collection method: clinical testing. Allele origin: germline. Affected: yes. Study: VKGL Data-share Consensus. Not counted in ClinVar's aggregate classification.

Genome Diagnostics Laboratory, University Medical Center Utrecht
Classification: Likely benign. Review status: no assertion criteria provided. Collection method: clinical testing. Allele origin: germline. Affected: yes. Study: VKGL Data-share Consensus. Not counted in ClinVar's aggregate classification.

Joint Genome Diagnostic Labs from Nijmegen and Maastricht, Radboudumc and MUMC+
Classification: Likely benign. Review status: no assertion criteria provided. Collection method: clinical testing. Allele origin: germline. Affected: yes. Study: VKGL Data-share Consensus. Not counted in ClinVar's aggregate classification.